The following is an entry in ClinVar:

NM_001039141.3(TRIOBP):c.4895G>A (p.Gly1632Asp)

Gene: TRIOBP (TRIO and F-actin binding protein; plus strand). Cytogenetic location: 22q13.1.
Variant type: single nucleotide variant.
Coding change: c.4895G>A on transcript NM_001039141.3 (MANE Select); coding-DNA position 4895, G replaced by A.
Protein change: p.Gly1632Asp; replaces glycine 1632 with aspartic acid.
Molecular consequence: missense variant.
Genome position (GRCh38, 1-based): chr22:37,735,231, G>A. VCF-style: chr22-37735231-G-A. GRCh37 (hg19) VCF-style: chr22-38131238-G-A.
Other names: short protein forms G1632D.
Identifiers: ClinVar variation 4982775 (VCV004982775.1).

ClinVar aggregate classification (germline): Uncertain significance (1 of 4 stars; one submission).

Conditions:
TRIOBP-related disorder. Also called: TRIOBP-related condition.

gnomAD v4.1: 2 of 1,605,276 alleles (0.00012%); highest among the groups gnomAD compares: Non-Finnish European, 0.00017%; no homozygotes.

Submission:

PreventionGenetics, part of Exact Sciences
Classification: Uncertain significance for TRIOBP-related condition. Last evaluated: 2025-01-29. Review status: criteria provided, single submitter. Criteria: ACMG Guidelines, 2015. Collection method: clinical testing. Allele origin: germline.
Comment: The TRIOBP c.4895G>A variant is predicted to result in the amino acid substitution p.Gly1632Asp. To our knowledge, this variant has not been reported in the literature. This variant is reported in 0.0016% of alleles in individuals of European (Non-Finnish) descent in gnomAD. At this time, the clinical significance of this variant is uncertain due to the absence of conclusive functional and genetic evidence.